The following is an entry in ClinVar:

ClinVar aggregate classification (germline): Benign/Likely benign. Review status: criteria provided, multiple submitters, no conflicts (2 of 4 stars). 13 submissions from 12 submitters: Benign (8); Likely benign (5). Last evaluated 2026-07-01.

Conditions:
Connective tissue disorder. Also called: Connective tissue disease. Identifiers: MedGen C0009782, MONDO:0003900.
Adams-Oliver syndrome 5 (AOS5). Identifiers: Orphanet 974, MedGen C4014970, MONDO:0014459, OMIM 616028.
Familial thoracic aortic aneurysm and aortic dissection (TAAD). Also called: Thoracic aortic aneurysms and dissections. Identifiers: Orphanet 91387, MedGen C4707243, MONDO:0019625.
Aortic valve disease 1 (AOVD1). Identifiers: MedGen C3887892, MONDO:0024523, OMIM 109730.

Allele frequency attached by ClinVar (database versions not stated): gnomAD 0.00394 and 0.00435; gnomAD exomes 0.00404 and 0.00662; TOPMed 0.00463; ESP Exome Variant Server 0.00474; 1000 Genomes Project 0.00160; 1000 Genomes Project 30x 0.00172; ExAC 0.00371.

Submissions (13):

CeGaT Center for Human Genetics Tuebingen
Classification: Likely benign. Last evaluated: 2026-07-01. Review status: criteria provided, single submitter. Criteria: CeGaT Center For Human Genetics Tuebingen Variant Classification Criteria Version 2. Collection method: clinical testing. Allele origin: germline. Affected: yes. Observed: 16 variant alleles.
Comment: NOTCH1: BP4, BP7, BS2

Labcorp Genetics (formerly Invitae), Labcorp
Classification: Benign for Adams-Oliver syndrome 5. Last evaluated: 2026-02-01. Review status: criteria provided, single submitter. Criteria: Invitae Variant Classification Sherloc (09022015). Collection method: clinical testing. Allele origin: germline.

ARUP Laboratories, Molecular Genetics and Genomics, ARUP Laboratories
Classification: Benign. Last evaluated: 2025-05-05. Review status: criteria provided, single submitter. Criteria: ARUP Molecular Germline Variant Investigation Process 2024. Collection method: clinical testing. Allele origin: germline.

Blueprint Genetics
Classification: Likely benign. Last evaluated: 2024-11-26. Review status: criteria provided, single submitter. Criteria: ACMG Guidelines, 2015. Collection method: clinical testing. Allele origin: germline.

Mayo Clinic Laboratories, Mayo Clinic
Classification: Benign. Last evaluated: 2024-02-28. Review status: criteria provided, single submitter. Criteria: ACMG Guidelines, 2015. Collection method: clinical testing. Allele origin: germline. Observed: 18 variant alleles.
Comment: BS1, BS2, BP4, BP7

Women's Health and Genetics/Laboratory Corporation of America, LabCorp
Classification: Benign. Last evaluated: 2023-04-10. Review status: criteria provided, single submitter. Criteria: LabCorp Variant Classification Summary - May 2015. Collection method: clinical testing. Allele origin: germline.

Genome-Nilou Lab
Classification: Benign for Adams-Oliver syndrome 5. Last evaluated: 2022-03-15. Review status: criteria provided, single submitter. Criteria: ACMG Guidelines, 2015. Collection method: clinical testing. Allele origin: germline. Affected: no.

Genome-Nilou Lab
Classification: Benign for Aortic valve disease 1. Last evaluated: 2022-03-15. Review status: criteria provided, single submitter. Criteria: ACMG Guidelines, 2015. Collection method: clinical testing. Allele origin: germline. Affected: no.

CHEO Genetics Diagnostic Laboratory, Children's Hospital of Eastern Ontario
Classification: Likely benign for Familial thoracic aortic aneurysm and aortic dissection. Last evaluated: 2017-07-18. Review status: criteria provided, single submitter. Criteria: ACMG Guidelines, 2015. Collection method: clinical testing. Allele origin: germline. Study: Canadian Open Genetics Repository.

Center for Human Genetics, Inc
Classification: Likely benign for Connective tissue disorder. Last evaluated: 2016-11-01. Review status: criteria provided, single submitter. Criteria: ACMG Guidelines, 2015. Collection method: clinical testing. Allele origin: germline. Affected: yes.

GeneDx
Classification: Benign. Last evaluated: 2016-10-11. Review status: criteria provided, single submitter. Criteria: GeneDx Variant Classification (06012015). Collection method: clinical testing. Allele origin: germline. Affected: yes.
Comment: This variant is considered likely benign or benign based on one or more of the following criteria: it is a conservative change, it occurs at a poorly conserved position in the protein, it is predicted to be benign by multiple in silico algorithms, and/or has population frequency not consistent with disease.

Eurofins Ntd Llc (ga)
Classification: Likely benign. Last evaluated: 2015-08-05. Review status: criteria provided, single submitter. Criteria: EGL Classification Definitions 2015. Collection method: clinical testing. Allele origin: germline. Observed: 1 variant allele, 1 heterozygote.

Ambry Genetics
Classification: Benign for Familial thoracic aortic aneurysm and aortic dissection. Last evaluated: 2015-04-08. Review status: criteria provided, single submitter. Criteria: Ambry Variant Classification Scheme 2023. Collection method: clinical testing. Allele origin: germline.

Literature cited by the submitters: PubMed 24943832 (cited by Women's Health and Genetics/Laboratory Corporation of America, LabCorp); PubMed 16614245 (cited by Women's Health and Genetics/Laboratory Corporation of America, LabCorp); PubMed 21670202 (cited by Women's Health and Genetics/Laboratory Corporation of America, LabCorp); PubMed 22210878 (cited by Women's Health and Genetics/Laboratory Corporation of America, LabCorp); PubMed 19635999 (cited by Women's Health and Genetics/Laboratory Corporation of America, LabCorp); PubMed 26837699 (cited by Women's Health and Genetics/Laboratory Corporation of America, LabCorp); PubMed 23086750 (cited by Women's Health and Genetics/Laboratory Corporation of America, LabCorp); PubMed 19245433 (cited by Women's Health and Genetics/Laboratory Corporation of America, LabCorp); PubMed 22077063 (cited by Women's Health and Genetics/Laboratory Corporation of America, LabCorp); PubMed 15472075 (cited by Women's Health and Genetics/Laboratory Corporation of America, LabCorp); PubMed 23734977 (cited by Women's Health and Genetics/Laboratory Corporation of America, LabCorp); PubMed 22858860 (cited by Women's Health and Genetics/Laboratory Corporation of America, LabCorp).

NM_017617.5(NOTCH1):c.3333C>T (p.Asp1111=)

Gene: NOTCH1 (notch receptor 1; minus strand). Cytogenetic location: 9q34.3.
Variant type: single nucleotide variant.
Coding change: c.3333C>T on transcript NM_017617.5 (MANE Select); coding-DNA position 3333, C replaced by T.
Protein change: p.Asp1111=; no amino-acid change (aspartic acid 1111 retained).
Molecular consequence: synonymous variant.
Genome position (GRCh38, 1-based): chr9:136,508,132, G>A on the plus strand (C>T on the coding strand, the complement: NOTCH1 is on the minus strand). VCF-style: chr9-136508132-G-A. GRCh37 (hg19) VCF-style: chr9-139402584-G-A.
Other names: p.Asp1111=; c.3333C>T, p.Asp1111= (LRG_1122t1); c.3333C>T (NM_017617.4).
Identifiers: ClinVar variation 241136 (VCV000241136.55), dbSNP rs61751545, ClinGen allele CA5340955.